The following is an entry in ClinVar:

NM_001330260.2(SCN8A):c.5835G>T (p.Pro1945=)

Gene: SCN8A (sodium voltage-gated channel alpha subunit 8; plus strand). Cytogenetic location: 12q13.13.
Variant type: single nucleotide variant.
Coding change: c.5835G>T on transcript NM_001330260.2 (MANE Select); coding-DNA position 5835, G replaced by T.
Protein change: p.Pro1945=; no amino-acid change (proline 1945 retained).
Molecular consequence: synonymous variant.
Genome position (GRCh38, 1-based): chr12:51,807,321, G>T. VCF-style: chr12-51807321-G-T. GRCh37 (hg19) VCF-style: chr12-52201105-G-T.
Other names: c.5712G>T, p.Pro1904= (NM_001177984.3, NM_001369788.1); c.5835G>T, p.Pro1945= (NM_014191.4).
Identifiers: ClinVar variation 1318802 (VCV001318802.2), dbSNP rs776428412, ClinGen allele CA480062396.

ClinVar aggregate classification (germline): Uncertain significance (1 of 4 stars; one submission).

gnomAD v4.1: 4 of 1,613,806 alleles (0.00025%); highest among the groups gnomAD compares: Non-Finnish European, 0.00034%; no homozygotes.

Submission:

GeneDx
Classification: Uncertain significance. Last evaluated: 2020-08-25. Review status: criteria provided, single submitter. Criteria: GeneDx Variant Classification Process June 2021. Collection method: clinical testing. Allele origin: germline. Affected: yes.
Comment: Not observed in large population cohorts (Lek et al., 2016); Has not been previously published as pathogenic or benign to our knowledge; In silico analysis, which includes splice predictors and evolutionary conservation, suggests this variant may impact gene splicing. In the absence of RNA/functional studies, the actual effect of this sequence change is unknown.